The following is an entry in ClinVar:

NM_001378615.1(CC2D2A):c.2461del (p.Ser821fs)

Genes: CC2D2A (coiled-coil and C2 domain containing 2A; plus strand), FBXL5 (F-box and leucine rich repeat protein 5; minus strand). Cytogenetic location: 4p15.32.
Variant type: Deletion.
Coding change: c.2461del on transcript NM_001378615.1 (MANE Select); coding-DNA position 2461, one base deleted (T; older notation c.2461delT).
Protein change: p.Ser821fs; shifts the reading frame from serine 821.
Molecular consequence: frameshift variant.
Genome position (GRCh38, 1-based): chr4:15,553,280, T deleted. VCF-style (leftmost placement, unchanged base first): chr4-15553279-GT-G. GRCh37 (hg19) VCF-style: chr4-15554902-GT-G.
Other names: c.2461del, p.Ser821fs (NM_001080522.2); c.2314del, p.Ser772fs (NM_001378617.1); short protein forms S772fs, S821fs.
Identifiers: ClinVar variation 5013912 (VCV005013912.1).

ClinVar aggregate classification (germline): Pathogenic (1 of 4 stars; one submission).

Conditions:
Joubert syndrome and related disorders. Identifiers: Orphanet 140874, MedGen C5679612, MONDO:0015369.

Submission:

Myriad Genetics, Inc.
Classification: Pathogenic for Joubert syndrome and related disorders. Last evaluated: 2025-01-03. Review status: criteria provided, single submitter. Criteria: Myriad Autosomal Dominant, Autosomal Recessive and X-Linked Classification Criteria (2023). Collection method: clinical testing. Allele origin: unknown.
Comment: NM_001080522.2(CC2D2A):c.2461delT(S821Hfs*11) is expected to be pathogenic in the context of CC2D2A-related disorders. This variant is predicted to lead to an abnormal or absent protein product due to the creation of a premature termination codon in CC2D2A, a gene where loss-of-function variants are known to be pathogenic. Please note: this variant was assessed in the context of healthy population screening.